The following is an entry in ClinVar:

ClinVar aggregate classification (germline): Uncertain significance. Review status: criteria provided, multiple submitters, no conflicts (2 of 4 stars). 3 submissions from 3 submitters: Uncertain significance (3). Last evaluated 2026-09-08.

Conditions:
Fabry disease. Also called: Fabry's disease; ALPHA-GALACTOSIDASE A DEFICIENCY; ANDERSON-FABRY DISEASE; CERAMIDE TRIHEXOSIDASE DEFICIENCY; GLA DEFICIENCY; HEREDITARY DYSTOPIC LIPIDOSIS. Identifiers: Orphanet 324, MedGen C0002986, MONDO:0010526, OMIM 301500, HP:0001071. Disease mechanism: Fabry disease is due to inactivating mutations in the X-linked GLA gene resulting in deficiency of the enzyme Alpha Galactosidase-A., loss of function.

gnomAD v4.1: 1 of 1,211,244 alleles (0.000083%); highest among the groups gnomAD compares: Non-Finnish European, 0.00011%; no homozygotes.

Submissions (3):

Genomenon, Inc
Classification: Uncertain significance for Fabry disease. Last evaluated: 2026-09-08. Review status: criteria provided, single submitter. Criteria: Genomenon Sequence Variant Interpretation Standards - Updated. Collection method: curation. Allele origin: germline. Affected: no.
Comment: GLA p.Leu8Gln (c.23T>A) is a missense variant that changes the amino acid at codon 8 from Leucine to Glutamine. This variant has been reported in the published literature (PMID:34679477;30739116). It is absent or not present at a significant frequency in gnomAD. In conclusion, we classify GLA p.Leu8Gln (c.23T>A) as a variant of uncertain significance.

Labcorp Genetics (formerly Invitae), Labcorp
Classification: Uncertain significance for Fabry disease. Last evaluated: 2024-09-19. Review status: criteria provided, single submitter. Criteria: Invitae Variant Classification Sherloc (09022015). Collection method: clinical testing. Allele origin: germline.
Comment: This sequence change replaces leucine, which is neutral and non-polar, with glutamine, which is neutral and polar, at codon 8 of the GLA protein (p.Leu8Gln). This variant is not present in population databases (gnomAD no frequency). This variant has not been reported in the literature in individuals affected with GLA-related conditions. An algorithm developed to predict the effect of missense changes on protein structure and function outputs the following: PolyPhen-2: "Benign". The glutamine amino acid residue is found in multiple mammalian species, which suggests that this missense change does not adversely affect protein function. In summary, the available evidence is currently insufficient to determine the role of this variant in disease. Therefore, it has been classified as a Variant of Uncertain Significance.

Neuberg Centre For Genomic Medicine, NCGM
Classification: Uncertain significance for Fabry disease. Last evaluated: 2023-05-20. Review status: criteria provided, single submitter. Criteria: ACMG Guidelines, 2015. Collection method: clinical testing. Allele origin: germline. Inheritance: X-linked inheritance. Affected: yes.
Comment: The missense variant c.23T>A(p.Leu8Gln) in GLA gene has not been reported previously as a pathogenic variant nor as a benign variant, to our knowledge. The observed variant is absent in gnomAD exomes database. This variant has not been submitted to the ClinVar database. Multiple lines of computational evidence (Polyphen - Benign, SIFT - Tolerated and MutationTaster - Polymorphism) predict no damaging effect on protein structure and function for this variant. The amino acid Leu at position 8 is changed to a Gln changing protein sequence and it might alter its composition and physico-chemical properties. For these reasons, this variant has been classified as Uncertain Significance (VUS).

Literature cited by the submitters: PubMed 34679477 (cited by Genomenon, Inc); PubMed 30739116 (cited by Genomenon, Inc).

NM_000169.3(GLA):c.23T>A (p.Leu8Gln)

Genes: GLA (galactosidase alpha; minus strand), RPL36A-HNRNPH2 (RPL36A-HNRNPH2 readthrough; plus strand). Cytogenetic location: Xq22.1.
Variant type: single nucleotide variant.
Coding change: c.23T>A on transcript NM_000169.3 (MANE Select); coding-DNA position 23, T replaced by A.
Protein change: p.Leu8Gln; replaces leucine 8 with glutamine.
Molecular consequence: missense variant. On other transcripts: non-coding transcript variant (3), intron variant (2).
Genome position (GRCh38, 1-based): chrX:101,407,881, A>T on the plus strand (T>A on the coding strand, the complement: GLA is on the minus strand). VCF-style: chrX-101407881-A-T. GRCh37 (hg19) VCF-style: chrX-100662869-A-T.
Other names: c.23T>A, p.Leu8Gln (NM_001406747.1, NM_001406748.1, NM_001406749.1); c.301-4055A>T (NM_001199973.2); c.178-4055A>T (NM_001199974.2); short protein forms L8Q.
Identifiers: ClinVar variation 3362281 (VCV003362281.6).
Genomic context (GRCh38, chrX:101,407,881, plus strand): 5'-CCAGGGATGTCCCAGGAAACGAGGGCCAGGAAGCGAAGCGCAAGCGCGCAGCCCAGATGT[A>T]GTTCTGGGTTCCTCAGCTGCATTGTCACGGTGACCGGACAGCATAAATTTCCGCGGGTAA-3'
Protein context (NP_000160.1, residues 1-18): MQLRNPE[Leu8Gln]HLGCALALRF